The following is an entry in ClinVar:

NM_000391.4(TPP1):c.156_157del (p.Leu53fs)

Gene: TPP1 (tripeptidyl peptidase 1; minus strand). Cytogenetic location: 11p15.4.
Variant type: Deletion.
Coding change: c.156_157del on transcript NM_000391.4 (MANE Select); coding-DNA positions 156 to 157, 2 bases deleted (CC; older notation c.156_157delCC).
Protein change: p.Leu53fs; shifts the reading frame from leucine 53.
Molecular consequence: frameshift variant.
Genome position (GRCh38, 1-based): chr11:6,618,848-6,618,849, GG deleted on the plus strand (CC on the coding strand, the reverse complement: TPP1 is on the minus strand); deleting any 2 consecutive bases within chr11:6,618,848-6,618,850 gives the same sequence; the c. name uses the placement nearest the transcript's 3' end. VCF-style (leftmost placement, unchanged base first): chr11-6618847-AGG-A. GRCh37 (hg19) VCF-style: chr11-6640078-AGG-A.
Other names: short protein forms L53fs.
Identifiers: ClinVar variation 5014157 (VCV005014157.1).

ClinVar aggregate classification (germline): Pathogenic (1 of 4 stars; one submission).

Conditions:
Neuronal ceroid lipofuscinosis 2. Also called: TPP1-Related Neuronal Ceroid-Lipofuscinosis; JANSKY-BIELSCHOWSKY DISEASE NEURONAL CEROID LIPOFUSCINOSIS, LATE INFANTILE. Identifiers: Orphanet 168491, Orphanet 228349, Orphanet 79264, MedGen C1876161, MONDO:0008769, OMIM 204500.

Submission:

Myriad Genetics, Inc.
Classification: Pathogenic for Neuronal ceroid lipofuscinosis 2. Last evaluated: 2025-03-01. Review status: criteria provided, single submitter. Criteria: Myriad Autosomal Dominant, Autosomal Recessive and X-Linked Classification Criteria (2023). Collection method: clinical testing. Allele origin: unknown.
Comment: NM_000391.3(TPP1):c.156_157delCC(L53Efs*34) is expected to be pathogenic in the context of TPP1-related neuronal ceroid lipofuscinosis. This variant is predicted to lead to an abnormal or absent protein product due to the creation of a premature termination codon in TPP1, a gene where loss-of-function variants are known to be pathogenic. Please note: this variant was assessed in the context of healthy population screening.